The following is an entry in ClinVar:

NM_170707.4(LMNA):c.148C>G (p.Arg50Gly)

Gene: LMNA (lamin A/C; plus strand). Cytogenetic location: 1q22.
Variant type: single nucleotide variant.
Coding change: c.148C>G on transcript NM_170707.4 (MANE Select); coding-DNA position 148, C replaced by G.
Protein change: p.Arg50Gly; replaces arginine 50 with glycine.
Molecular consequence: missense variant.
Genome position (GRCh38, 1-based): chr1:156,115,066, C>G. VCF-style: chr1-156115066-C-G. GRCh37 (hg19) VCF-style: chr1-156084857-C-G.
Other names: c.148C>G, p.Arg50Gly (NM_001282625.2, NM_001282626.2, NM_001406983.1 and 6 more transcripts); c.-276C>G (NM_001406986.1); c.-254C>G (NM_001406990.1, NM_001406995.1, NM_001407002.1); c.-517C>G (NM_001406994.1, NM_001407000.1); c.-697C>G (NM_001406999.1); c.-360C>G (NM_001407001.1); short protein forms R50G.
Identifiers: ClinVar variation 2433478 (VCV002433478.5), dbSNP rs59931416, ClinGen allele CA342807966.

ClinVar aggregate classification (germline): Conflicting classifications of pathogenicity. Review status: criteria provided, conflicting classifications (1 of 4 stars). 2 submissions from 2 submitters: Likely pathogenic (1); Uncertain significance (1). Last evaluated 2025-01-05.

Conditions:
Charcot-Marie-Tooth disease type 2. Also called: Charcot-Marie-Tooth type 2. Identifiers: Orphanet 64746, MedGen C0270914, MONDO:0018993.

Submissions (2):

Labcorp Genetics (formerly Invitae), Labcorp
Classification: Likely pathogenic for Charcot-Marie-Tooth disease type 2. Last evaluated: 2025-01-05. Review status: criteria provided, single submitter. Criteria: Invitae Variant Classification Sherloc (09022015). Collection method: clinical testing. Allele origin: germline.
Comment: This sequence change replaces arginine, which is basic and polar, with glycine, which is neutral and non-polar, at codon 50 of the LMNA protein (p.Arg50Gly). This variant is not present in population databases (gnomAD no frequency). This variant has not been reported in the literature in individuals affected with LMNA-related conditions. ClinVar contains an entry for this variant (Variation ID: 2433478). Invitae Evidence Modeling of protein sequence and biophysical properties (such as structural, functional, and spatial information, amino acid conservation, physicochemical variation, residue mobility, and thermodynamic stability) indicates that this missense variant is expected to disrupt LMNA protein function with a positive predictive value of 95%. This variant disrupts the p.Arg50 amino acid residue in LMNA. Other variant(s) that disrupt this residue have been determined to be pathogenic (PMID: 10939567, 11503164, 18551513, 31498906). This suggests that this residue is clinically significant, and that variants that disrupt this residue are likely to be disease-causing. In summary, the currently available evidence indicates that the variant is pathogenic, but additional data are needed to prove that conclusively. Therefore, this variant has been classified as Likely Pathogenic.

Revvity Omics, Revvity
Classification: Uncertain significance. Last evaluated: 2019-03-21. Review status: criteria provided, single submitter. Criteria: ACMG Guidelines, 2015. Collection method: clinical testing. Allele origin: germline.

Literature cited by the submitters: PubMed 10939567 (cited by Labcorp Genetics (formerly Invitae), Labcorp); PubMed 11503164 (cited by Labcorp Genetics (formerly Invitae), Labcorp); PubMed 18551513 (cited by Labcorp Genetics (formerly Invitae), Labcorp); PubMed 31498906 (cited by Labcorp Genetics (formerly Invitae), Labcorp).